The following is an entry in ClinVar:

ClinVar aggregate classification (germline): Uncertain significance (1 of 4 stars; one submission).

Submission:

Dasa
Classification: Uncertain significance. Last evaluated: 2025-05-05. Review status: criteria provided, single submitter. Criteria: DASA Assertion Criteria. Collection method: clinical testing. Allele origin: germline.
Comment: NM_001346249.2(RALGAPA1):c.2231A>C (p.Glu744Ala) is a missense variant that results in the substitution of glutamic acid with alanine. This variant is absent from population databases. Computational prediction algorithms are consistent with a deleterious effect. The currently available literature and clinical evidence are not sufficient to establish a definitive association between this variant and the reported condition. Therefore, this variant is classified as a variant of uncertain significance.

NM_001346249.2(RALGAPA1):c.2231A>C (p.Glu744Ala)

Gene: RALGAPA1 (Ral GTPase activating protein catalytic subunit alpha 1; minus strand). Cytogenetic location: 14q13.2.
Variant type: single nucleotide variant.
Coding change: c.2231A>C on transcript NM_001346249.2 (MANE Select); coding-DNA position 2231, A replaced by C.
Protein change: p.Glu744Ala; replaces glutamic acid 744 with alanine.
Molecular consequence: missense variant.
Genome position (GRCh38, 1-based): chr14:35,721,723, T>G on the plus strand (A>C on the coding strand, the complement: RALGAPA1 is on the minus strand). VCF-style: chr14-35721723-T-G. GRCh37 (hg19) VCF-style: chr14-36190929-T-G.
Other names: c.2231A>C, p.Glu744Ala (NM_001283043.3, NM_001283044.3, NM_001330075.3 and 7 more transcripts); short protein forms E744A.
Identifiers: ClinVar variation 4885822 (VCV004885822.2).
Genomic context (GRCh38, chr14:35,721,723, plus strand): 5'-TCTCATGATTTTCAAGAGTACATACCGACAGTTTTTTGCCGTACTATACTCCTCGCCTTT[T>G]CGGTTCCTGGAGAACCAGTGGTTGTTGCACTCCTCTGTCTCATTGGGGCTTGGCCAGGCT-3'
Protein context (NP_001333178.1, residues 734-754): SATTTGSPGT[Glu744Ala]KARSIVRQKT